The following is an entry in ClinVar:

ClinVar aggregate classification (germline): Uncertain significance (1 of 4 stars; one submission).

Conditions:
Hereditary cancer-predisposing syndrome. Also called: Neoplastic Syndromes, Hereditary; Tumor predisposition; Hereditary Cancer Syndrome; Hereditary neoplastic syndrome. Identifiers: Orphanet 140162, MedGen C0027672, MeSH D009386, MONDO:0015356.

Submission:

Ambry Genetics
Classification: Uncertain significance for Hereditary cancer-predisposing syndrome. Last evaluated: 2022-05-21. Review status: criteria provided, single submitter. Criteria: Ambry Variant Classification Scheme 2023. Collection method: clinical testing. Allele origin: germline.
Comment: The p.T1085S variant (also known as c.3253A>T), located in coding exon 20 of the RET gene, results from an A to T substitution at nucleotide position 3253. The threonine at codon 1085 is replaced by serine, an amino acid with similar properties. This amino acid position is conserved. In addition, this alteration is predicted to be tolerated by in silico analysis. Since supporting evidence is limited at this time, the clinical significance of this alteration remains unclear.

NM_020975.6(RET):c.3253A>T (p.Thr1085Ser)

Gene: RET (ret proto-oncogene; plus strand). Cytogenetic location: 10q11.21.
Variant type: single nucleotide variant.
Coding change: c.3253A>T on transcript NM_020975.6 (MANE Select); coding-DNA position 3253, A replaced by T.
Protein change: p.Thr1085Ser; replaces threonine 1085 with serine.
Molecular consequence: missense variant.
Genome position (GRCh38, 1-based): chr10:43,128,177, A>T. VCF-style: chr10-43128177-A-T. GRCh37 (hg19) VCF-style: chr10-43623625-A-T.
Other names: c.3253A>T, p.Thr1085Ser (NM_000323.2, NM_001406743.1); c.*1423A>T (NM_001355216.2, NM_001406764.1, NM_001406765.1 and 15 more transcripts); c.3193A>T, p.Thr1065Ser (NM_001406759.1, NM_001406760.1); c.3124A>T, p.Thr1042Ser (NM_001406761.1, NM_001406762.1); c.3118A>T, p.Thr1040Ser (NM_001406763.1); c.2965A>T, p.Thr989Ser (NM_001406766.1, NM_001406767.1); c.2857A>T, p.Thr953Ser (NM_001406769.1); c.2815A>T, p.Thr939Ser (NM_001406771.1); and 7 more; short protein forms T1042S, T1065S, T1085S, T743S, T823S, T989S, T582S, T602S.
Identifiers: ClinVar variation 1729442 (VCV001729442.2), dbSNP rs756465544, ClinGen allele CA376558990.